The following is an entry in ClinVar:

NM_015512.5(DNAH1):c.9371A>G (p.Asn3124Ser)

Gene: DNAH1 (dynein axonemal heavy chain 1; plus strand). Cytogenetic location: 3p21.1.
Variant type: single nucleotide variant.
Coding change: c.9371A>G on transcript NM_015512.5 (MANE Select); coding-DNA position 9371, A replaced by G.
Protein change: p.Asn3124Ser; replaces asparagine 3124 with serine.
Molecular consequence: missense variant.
Genome position (GRCh38, 1-based): chr3:52,388,813, A>G. VCF-style: chr3-52388813-A-G. GRCh37 (hg19) VCF-style: chr3-52422829-A-G.
Other names: short protein forms N3124S.
Identifiers: ClinVar variation 850394 (VCV000850394.4), dbSNP rs202033408, ClinGen allele CA2435510.

ClinVar aggregate classification (germline): Uncertain significance. Review status: criteria provided, multiple submitters, no conflicts (2 of 4 stars). 2 submissions from 2 submitters: Uncertain significance (2). Last evaluated 2022-09-12.

Conditions:
Spermatogenic failure 18. Identifiers: MedGen C4539783, MONDO:0054615, OMIM 617576.
Ciliary dyskinesia, primary, 37 (CILD37). Also called: CILIARY DYSKINESIA, PRIMARY, 37, WITH OR WITHOUT SITUS INVERSUS. Identifiers: MedGen C4539798, MONDO:0033204, OMIM 617577.

Allele frequency attached by ClinVar (database versions not stated): gnomAD 0.00001 and 0.00003; gnomAD exomes 0.00001; ExAC 0.00002; TOPMed 0.00002; 1000 Genomes Project 30x 0.00016; 1000 Genomes Project 0.00020.
gnomAD v4.1: 19 of 1,613,506 alleles (0.0012%); highest among the groups gnomAD compares: African/African-American, 0.011%; no homozygotes.

Submissions (2):

Labcorp Genetics (formerly Invitae), Labcorp
Classification: Uncertain significance for Ciliary dyskinesia, primary, 37; Spermatogenic failure 18. Last evaluated: 2022-09-12. Review status: criteria provided, single submitter. Criteria: Invitae Variant Classification Sherloc (09022015). Collection method: clinical testing. Allele origin: germline.
Comment: This sequence change replaces asparagine, which is neutral and polar, with serine, which is neutral and polar, at codon 3124 of the DNAH1 protein (p.Asn3124Ser). This variant is present in population databases (rs202033408, gnomAD 0.01%). This variant has not been reported in the literature in individuals affected with DNAH1-related conditions. ClinVar contains an entry for this variant (Variation ID: 850394). Advanced modeling of protein sequence and biophysical properties (such as structural, functional, and spatial information, amino acid conservation, physicochemical variation, residue mobility, and thermodynamic stability) performed at Invitae indicates that this missense variant is not expected to disrupt DNAH1 protein function. In summary, the available evidence is currently insufficient to determine the role of this variant in disease. Therefore, it has been classified as a Variant of Uncertain Significance.

Fulgent Genetics
Classification: Uncertain significance for Spermatogenic failure 18; Ciliary dyskinesia, primary, 37. Last evaluated: 2021-09-09. Review status: criteria provided, single submitter. Criteria: ACMG Guidelines, 2015. Collection method: clinical testing. Allele origin: unknown.